The following is an entry in ClinVar:

NM_006206.6(PDGFRA):c.11C>G (p.Ser4Cys)

Gene: PDGFRA (platelet derived growth factor receptor alpha; plus strand). Cytogenetic location: 4q12.
Variant type: single nucleotide variant.
Coding change: c.11C>G on transcript NM_006206.6 (MANE Select); coding-DNA position 11, C replaced by G.
Protein change: p.Ser4Cys; replaces serine 4 with cysteine.
Molecular consequence: missense variant.
Genome position (GRCh38, 1-based): chr4:54,258,779, C>G. VCF-style: chr4-54258779-C-G. GRCh37 (hg19) VCF-style: chr4-55124946-C-G.
Other names: c.11C>G, p.Ser4Cys (NM_001347827.2, NM_001347829.2); c.86C>G, p.Ser29Cys (NM_001347828.2); c.50C>G, p.Ser17Cys (NM_001347830.2); short protein forms S4C, S29C, S17C.
Identifiers: ClinVar variation 528570 (VCV000528570.13), dbSNP rs138929755, ClinGen allele CA2922193.

ClinVar aggregate classification (germline): Uncertain significance. Review status: criteria provided, multiple submitters, no conflicts (2 of 4 stars). 2 submissions from 2 submitters: Uncertain significance (2). Last evaluated 2024-06-24.

Conditions:
Gastrointestinal stromal tumor. Also called: Gastrointestinal stroma tumor; Gastrointestinal stromal tumor, somatic. Identifiers: Orphanet 44890, MedGen C0238198, MeSH D046152, MONDO:0011719, OMIM 606764, HP:0100723.
Hereditary cancer-predisposing syndrome. Also called: Tumor predisposition; Hereditary neoplastic syndrome; Hereditary Cancer Syndrome; Neoplastic Syndromes, Hereditary. Identifiers: Orphanet 140162, MedGen C0027672, MeSH D009386, MONDO:0015356.

gnomAD v4.1: 8 of 1,613,392 alleles (0.0005%); highest among the groups gnomAD compares: South Asian, 0.0022%; no homozygotes.

Submissions (2):

Labcorp Genetics (formerly Invitae), Labcorp
Classification: Uncertain significance for Gastrointestinal stromal tumor. Last evaluated: 2024-06-24. Review status: criteria provided, single submitter. Criteria: Invitae Variant Classification Sherloc (09022015). Collection method: clinical testing. Allele origin: germline.
Comment: This sequence change replaces serine, which is neutral and polar, with cysteine, which is neutral and slightly polar, at codon 4 of the PDGFRA protein (p.Ser4Cys). This variant is present in population databases (rs138929755, gnomAD 0.0009%). This variant has not been reported in the literature in individuals affected with PDGFRA-related conditions. ClinVar contains an entry for this variant (Variation ID: 528570). An algorithm developed to predict the effect of missense changes on protein structure and function (PolyPhen-2) suggests that this variant is likely to be disruptive. In summary, the available evidence is currently insufficient to determine the role of this variant in disease. Therefore, it has been classified as a Variant of Uncertain Significance.

Ambry Genetics
Classification: Uncertain significance for Hereditary cancer-predisposing syndrome. Last evaluated: 2024-02-28. Review status: criteria provided, single submitter. Criteria: Ambry Variant Classification Scheme 2023. Collection method: clinical testing. Allele origin: germline.
Comment: The p.S4C variant (also known as c.11C>G), located in coding exon 1 of the PDGFRA gene, results from a C to G substitution at nucleotide position 11. The serine at codon 4 is replaced by cysteine, an amino acid with dissimilar properties. This amino acid position is not well conserved in available vertebrate species. In addition, this alteration is predicted to be tolerated by in silico analysis. Since supporting evidence is limited at this time, the clinical significance of this alteration remains unclear.